The following is an entry in ClinVar:

NM_004036.5(ADCY3):c.777C>T (p.Arg259=)

Gene: ADCY3 (adenylate cyclase 3; minus strand). Cytogenetic location: 2p23.3.
Variant type: single nucleotide variant.
Coding change: c.777C>T on transcript NM_004036.5 (MANE Select); coding-DNA position 777, C replaced by T.
Protein change: p.Arg259=; no amino-acid change (arginine 259 retained).
Molecular consequence: synonymous variant.
Genome position (GRCh38, 1-based): chr2:24,872,618, G>A on the plus strand (C>T on the coding strand, the complement: ADCY3 is on the minus strand). VCF-style: chr2-24872618-G-A. GRCh37 (hg19) VCF-style: chr2-25095487-G-A.
Other names: c.777C>T, p.Arg259= (NM_001320613.2, NM_001377128.1, NM_001377129.1 and 2 more transcripts); c.54C>T, p.Arg18= (NM_001377131.1).
Identifiers: ClinVar variation 5000093 (VCV005000093.1).

ClinVar aggregate classification (germline): Likely benign (1 of 4 stars; one submission).

Conditions:
ADCY3-related disorder. Also called: ADCY3-related condition.

gnomAD v4.1: 9 of 1,614,128 alleles (0.00056%); highest among the groups gnomAD compares: Admixed American, 0.0017%; no homozygotes.

Submission:

PreventionGenetics, part of Exact Sciences
Classification: Likely benign for ADCY3-related condition. Last evaluated: 2025-02-06. Review status: criteria provided, single submitter. Criteria: ACMG Guidelines, 2015. Collection method: clinical testing. Allele origin: germline.
Comment: This variant is classified as likely benign based on ACMG/AMP sequence variant interpretation guidelines (Richards et al. 2015 PMID: 25741868, with internal and published modifications).